The following is an entry in ClinVar:

NM_014003.4(DHX38):c.3412G>A (p.Gly1138Arg)

Gene: DHX38 (DEAH-box helicase 38; plus strand). Cytogenetic location: 16q22.2.
Variant type: single nucleotide variant.
Coding change: c.3412G>A on transcript NM_014003.4 (MANE Select); coding-DNA position 3412, G replaced by A.
Protein change: p.Gly1138Arg; replaces glycine 1138 with arginine.
Molecular consequence: missense variant.
Genome position (GRCh38, 1-based): chr16:72,109,445, G>A. VCF-style: chr16-72109445-G-A. GRCh37 (hg19) VCF-style: chr16-72143344-G-A.
Other names: short protein forms G1138R.
Identifiers: ClinVar variation 1950723 (VCV001950723.5), dbSNP rs752404534, ClinGen allele CA8160969.

ClinVar aggregate classification (germline): Uncertain significance (1 of 4 stars; one submission).

Allele frequency attached by ClinVar (database versions not stated): gnomAD exomes below 0.00001; ExAC 0.00001.
gnomAD v4.1: 4 of 1,613,412 alleles (0.00025%); highest among the groups gnomAD compares: South Asian, 0.0011%; no homozygotes.

Submission:

Labcorp Genetics (formerly Invitae), Labcorp
Classification: Uncertain significance. Last evaluated: 2026-01-15. Review status: criteria provided, single submitter. Criteria: Invitae Variant Classification Sherloc (09022015). Collection method: clinical testing. Allele origin: germline.
Comment: This sequence change replaces glycine, which is neutral and non-polar, with arginine, which is basic and polar, at codon 1138 of the DHX38 protein (p.Gly1138Arg). The frequency data for this variant in the population databases is considered unreliable, as metrics indicate poor data quality at this position in the gnomAD database. This variant has not been reported in the literature in individuals affected with DHX38-related conditions. ClinVar contains an entry for this variant (Variation ID: 1950723). Invitae Evidence Modeling of protein sequence and biophysical properties (such as structural, functional, and spatial information, amino acid conservation, physicochemical variation, residue mobility, and thermodynamic stability) has been performed for this missense variant. However, the output from this modeling did not meet the statistical confidence thresholds required to predict the impact of this variant on DHX38 protein function. In summary, the available evidence is currently insufficient to determine the role of this variant in disease. Therefore, it has been classified as a Variant of Uncertain Significance.